The following is an entry in ClinVar:

ClinVar aggregate classification (germline): Pathogenic (1 of 4 stars; one submission).

Conditions:
Cohen syndrome (COH1). Also called: Cutis verticis gyrata, retinitis pigmentosa, and sensorineural deafness; PEPPER SYNDROME. Identifiers: Orphanet 193, MedGen C0265223, MONDO:0008999, OMIM 216550.

Submission:

Labcorp Genetics (formerly Invitae), Labcorp
Classification: Pathogenic for Cohen syndrome. Last evaluated: 2023-05-27. Review status: criteria provided, single submitter. Criteria: Invitae Variant Classification Sherloc (09022015). Collection method: clinical testing. Allele origin: germline.
Comment: For these reasons, this variant has been classified as Pathogenic. This variant has not been reported in the literature in individuals affected with VPS13B-related conditions. This variant is not present in population databases (gnomAD no frequency). This sequence change creates a premature translational stop signal (p.Val2525Profs*24) in the VPS13B gene. It is expected to result in an absent or disrupted protein product. Loss-of-function variants in VPS13B are known to be pathogenic (PMID: 15141358, 16648375, 20461111).

Literature cited by the submitters: PubMed 15141358; PubMed 16648375; PubMed 20461111.

NM_152564.5(VPS13B):c.7498_7501del (p.Val2500fs)

Gene: VPS13B (vacuolar protein sorting 13 homolog B; plus strand). Cytogenetic location: 8q22.2.
Variant type: Deletion.
Coding change: c.7498_7501del on transcript NM_152564.5 (MANE Select); coding-DNA positions 7498 to 7501, 4 bases deleted (GTTT; older notation c.7498_7501delGTTT).
Protein change: p.Val2500fs; shifts the reading frame from valine 2500.
Molecular consequence: frameshift variant.
Genome position (GRCh38, 1-based): chr8:99,778,750-99,778,753, GTTT deleted; deleting any 4 consecutive bases within chr8:99,778,748-99,778,753 gives the same sequence; the c. name uses the placement nearest the transcript's 3' end. VCF-style (leftmost placement, unchanged base first): chr8-99778747-ATTGT-A. GRCh37 (hg19) VCF-style: chr8-100790975-ATTGT-A.
Other names: c.7573_7576del, p.Val2525fs (NM_017890.5); short protein forms V2500fs, V2525fs.
Identifiers: ClinVar variation 2865402 (VCV002865402.3), dbSNP rs2491842094, ClinGen allele CA2739268945.
Genomic context (GRCh38, chr8:99,778,747, plus strand): 5'-CCACAGTACCTACAGCCATTTGTTTCCGACAGAAATATGCCATCTGAACTAGAATACATG[ATTGT>A]TTCCTTCAGAGAACCACACATGTATCTTCGACAGTGGAATAATGGTTCTGTCTGTCAGGA-3'